The following is an entry in ClinVar:

ClinVar aggregate classification (germline): Likely pathogenic. Review status: criteria provided, single submitter (1 of 4 stars). 2 submissions from 2 submitters: Likely pathogenic (1). 1 of the submissions does not count toward it. Last evaluated 2023-05-02.

Conditions:
Diamond-Blackfan anemia 8 (DBA8). Also called: RPS7-Related Diamond-Blackfan Anemia. Identifiers: Orphanet 124, MedGen C2675511, MONDO:0012939, OMIM 612563.

Submissions (2):

Broad Center for Mendelian Genomics, Broad Institute of MIT and Harvard
Classification: Likely pathogenic for Diamond-Blackfan anemia 8. Last evaluated: 2023-05-02. Review status: criteria provided, single submitter. Criteria: ACMG Guidelines, 2015. Collection method: curation. Allele origin: germline. Inheritance: Autosomal dominant inheritance.
Comment: The c.-19+1G>A variant in RPS7 has not been previously reported in individuals with Diamond-Blackfan anemia 8. This variant was absent from large population studies. This variant has also been reported in ClinVar (Variation ID: 975849) and has been interpreted as pathogenic by the Stanford Medicine Clinical Genomics Program. This variant was found de novo in one individual with confirmed paternity and maternity (ClinVar Variation ID: 975849). A different nucleotide change at the same site (i.e., the 5‚Äô-UTR splice-site of the RPS7 first exon), c.-19+1G>T (PMID: 36057918) has been previously reported pathogenic, and the variant being assessed here, c.-19+1G>A, is predicted by SpliceAI to have a similar effect on splicing. This variant is located in the 5' splice region. Computational tools predict a splicing impact, though this information is not predictive enough to determine pathogenicity. Heterozygous loss of function of the RPS7 gene is an established disease mechanism in Diamond-Blackfan anemia 8. In summary, although additional studies are required to fully establish its clinical significance, this variant is likely pathogenic for autosomal dominant Diamond-Blackfan anemia 8. ACMG/AMP Criteria applied: PVS1_Strong, PS1_Supporting, PS2_Moderate, PM2_Supporting (Richards 2015).

Clinical Genomics Laboratory, Stanford Medicine
Classification: Pathogenic for Diamond-Blackfan anemia 8. Last evaluated: 2019-12-30. Review status: no assertion criteria provided. Collection method: clinical testing. Allele origin: germline. Inheritance: Autosomal dominant inheritance. Affected: yes. Not counted in ClinVar's aggregate classification.
Comment: This variant alters the canonical donor splice site in intron 1, which is predicted to result in abnormal gene splicing. Heterozygous loss of function is an established mechanism of disease for the RPS7 gene. Notably, different nucleotide changes (c.-19+1G>C, c.- 19+1G>T, c.-19+2T>C) disrupting the same canonical splice site have been previously reported (Smetanina et al., 2015; van Dooijeweert et al., 2018). These reported disease-causing variant are expected to result in a similar disruption to protein function as c.-19+1G>A. These data were assessed using the ACMG/AMP variant interpretation guidelines. In summary, there is sufficient evidence to classify the c.-19+1G>A variant as pathogenic for autosomal dominant Diamond-Blackfan anemia based on the information above. [ACMG evidence codes used: PVS1_Strong; PS2; PM2]

NM_001011.4(RPS7):c.-19+1G>A

Gene: RPS7 (ribosomal protein S7; plus strand). Cytogenetic location: 2p25.3.
Variant type: single nucleotide variant.
Coding change: c.-19+1G>A on transcript NM_001011.4 (MANE Select); the canonical splice donor site of the intron after 19 bases upstream of the start codon, G replaced by A.
Molecular consequence: splice donor variant.
Genome position (GRCh38, 1-based): chr2:3,575,351, G>A. VCF-style: chr2-3575351-G-A. GRCh37 (hg19) VCF-style: chr2-3622941-G-A.
Identifiers: ClinVar variation 975849 (VCV000975849.2), dbSNP rs1064796859, ClinGen allele CA1139656747.
Genomic context (GRCh38, chr2:3,575,351, plus strand): 5'-GCCGGATTTTGACGTGCTCTCGCGAGATTTGGGTCTCTTCCTAAGCCGGCGCTCGGCAAG[G>A]TAGGTTGGCGGCCTGCTCTCCGACAGAACTTTTCTTCTTGGGTTGAGGAAAACGCCTTTT-3'